The following is an entry in ClinVar:

NM_017780.4(CHD7):c.3963dup (p.Leu1322fs)

Gene: CHD7 (chromodomain helicase DNA binding protein 7; plus strand). Cytogenetic location: 8q12.2.
Variant type: Duplication.
Coding change: c.3963dup on transcript NM_017780.4 (MANE Select); coding-DNA position 3963, one base duplicated (A; older notation c.3963dupA).
Protein change: p.Leu1322fs; shifts the reading frame from leucine 1322.
Molecular consequence: frameshift variant. On other transcripts: intron variant (1).
Genome position (GRCh38, 1-based): chr8:60,836,257, A duplicated. VCF-style (leftmost placement, unchanged base first): chr8-60836256-T-TA. GRCh37 (hg19) VCF-style: chr8-61748815-T-TA.
Other names: c.3963dupA (NM_017780.4); c.1717-25972dup (NM_001316690.1); short protein forms L1322fs.
Identifiers: ClinVar variation 3912053 (VCV003912053.1).

ClinVar aggregate classification (germline): Pathogenic (0 of 4 stars; one submission).

Conditions:
CHARGE syndrome (CHARGE). Also called: Hittner Hirsch Kreh syndrome; CHARGE ASSOCIATION--COLOBOMA, HEART ANOMALY, CHOANAL ATRESIA, RETARDATION, GENITAL AND EAR ANOMALIES; Coloboma, heart anomaly, choanal atresia, retardation, genital and ear anomalies; CHARGE association; Hall-Hittner syndrome. Identifiers: Orphanet 138, MedGen C0265354, MONDO:0008965.

Submission:

Medical Genetics and Prenatal Diagnosis Center, The Third Affiliated Hospital of Zhengzhou University
Classification: Pathogenic for CHD7-related CHARGE syndrome. Review status: no assertion criteria provided. Collection method: clinical testing. Allele origin: de novo. Affected: yes.
Comment: This sequence change creates a premature translational stop signal (p.L1322Tfs*13) in the CHD7 gene(PVS1). This variant was not reported in population-based cohorts in the Genome Aggregation Database (gnomAD).(PM2)